The following is an entry in ClinVar:

NM_033056.4(PCDH15):c.4844G>A (p.Cys1615Tyr)

Gene: PCDH15 (protocadherin related 15; minus strand). Cytogenetic location: 10q21.1.
Variant type: single nucleotide variant.
Coding change: c.4844G>A on transcript NM_033056.4 (MANE Plus Clinical); coding-DNA position 4844, G replaced by A.
Protein change: p.Cys1615Tyr; replaces cysteine 1615 with tyrosine.
Molecular consequence: missense variant. On other transcripts: intron variant (8).
Genome position (GRCh38, 1-based): chr10:53,822,882, C>T on the plus strand (G>A on the coding strand, the complement: PCDH15 is on the minus strand). VCF-style: chr10-53822882-C-T. GRCh37 (hg19) VCF-style: chr10-55582642-C-T.
Other names: c.4865G>A, p.Cys1622Tyr (NM_001142763.2); c.4850G>A, p.Cys1617Tyr (NM_001142764.2); c.4637G>A, p.Cys1546Tyr (NM_001142765.2); c.4835G>A, p.Cys1612Tyr (NM_001142766.2); c.4724G>A, p.Cys1575Tyr (NM_001142767.2); c.4784G>A, p.Cys1595Tyr (NM_001142768.2); c.4775G>A, p.Cys1592Tyr (NM_001142773.2); c.4778G>A, p.Cys1593Tyr (NM_001354404.2); and 6 more; short protein forms C1595Y, C1617Y, C1622Y, C1546Y, C1593Y, C1612Y, C1575Y, C1592Y.
Identifiers: ClinVar variation 2147874 (VCV002147874.3), dbSNP rs755148687, ClinGen allele CA5505180.

ClinVar aggregate classification (germline): Uncertain significance. Review status: criteria provided, multiple submitters, no conflicts (2 of 4 stars). 2 submissions from 2 submitters: Uncertain significance (2). Last evaluated 2026-06-23.

Conditions:
PCDH15-related disorder. Also called: PCDH15-related disorders; PCDH15-related condition.

Allele frequency attached by ClinVar (database versions not stated): gnomAD 0.00001; ExAC 0.00002; gnomAD exomes below 0.00001.
gnomAD v4.1: 7 of 1,613,998 alleles (0.00043%); highest among the groups gnomAD compares: African/African-American, 0.004%; no homozygotes.

Submissions (2):

PreventionGenetics, part of Exact Sciences
Classification: Uncertain significance for PCDH15-related condition. Last evaluated: 2026-06-23. Review status: criteria provided, single submitter. Criteria: ACMG Guidelines, 2015. Collection method: clinical testing. Allele origin: germline.
Comment: The PCDH15 c.4844G>A variant is predicted to result in the amino acid substitution p.Cys1615Tyr. To our knowledge, this variant has not been reported in the literature. This variant is reported in 0.0065% of alleles in individuals of South Asian descent in gnomAD. At this time, the clinical significance of this variant is uncertain due to the absence of conclusive functional and genetic evidence.

Labcorp Genetics (formerly Invitae), Labcorp
Classification: Uncertain significance. Last evaluated: 2024-11-11. Review status: criteria provided, single submitter. Criteria: Invitae Variant Classification Sherloc (09022015). Collection method: clinical testing. Allele origin: germline.
Comment: This sequence change replaces cysteine, which is neutral and slightly polar, with tyrosine, which is neutral and polar, at codon 1615 of the PCDH15 protein (p.Cys1615Tyr). This variant is present in population databases (rs755148687, gnomAD 0.01%). This variant has not been reported in the literature in individuals affected with PCDH15-related conditions. ClinVar contains an entry for this variant (Variation ID: 2147874). Invitae Evidence Modeling of protein sequence and biophysical properties (such as structural, functional, and spatial information, amino acid conservation, physicochemical variation, residue mobility, and thermodynamic stability) indicates that this missense variant is not expected to disrupt PCDH15 protein function with a negative predictive value of 95%. In summary, the available evidence is currently insufficient to determine the role of this variant in disease. Therefore, it has been classified as a Variant of Uncertain Significance.